The following is an entry in ClinVar:

NM_002241.5(KCNJ10):c.1049G>C (p.Gly350Ala)

Gene: KCNJ10 (potassium inwardly rectifying channel subfamily J member 10; minus strand). Cytogenetic location: 1q23.2.
Variant type: single nucleotide variant.
Coding change: c.1049G>C on transcript NM_002241.5 (MANE Select); coding-DNA position 1049, G replaced by C.
Protein change: p.Gly350Ala; replaces glycine 350 with alanine.
Molecular consequence: missense variant.
Genome position (GRCh38, 1-based): chr1:160,041,484, C>G on the plus strand (G>C on the coding strand, the complement: KCNJ10 is on the minus strand). VCF-style: chr1-160041484-C-G. GRCh37 (hg19) VCF-style: chr1-160011274-C-G.
Other names: short protein forms G350A.
Identifiers: ClinVar variation 954341 (VCV000954341.5), dbSNP rs748553015, ClinGen allele CA31470104.
Genomic context (GRCh38, chr1:160,041,484, plus strand): 5'-CTGCCCTCCTTCTCAGCTTGCTCCCTTAATGACTCCTCCAACTTGAGCTTTTCAGGGTCT[C>G]CGTAGCGTACAGTGCTGTCACGGAGGCCACTAGGAGAGGCCACTTTCACAACTTGGTCAA-3'
Protein context (NP_002232.2, residues 340-360): SGLRDSTVRY[Gly350Ala]DPEKLKLEES

ClinVar aggregate classification (germline): Uncertain significance (1 of 4 stars; one submission).

Conditions:
EAST syndrome (SESAMES). Also called: SEIZURES, SENSORINEURAL DEAFNESS, ATAXIA, IMPAIRED INTELLECTUAL DEVELOPMENT, AND ELECTROLYTE IMBALANCE. Identifiers: Orphanet 199343, MedGen C2748572, MONDO:0013005, OMIM 612780.

Allele frequency attached by ClinVar (database versions not stated): TOPMed below 0.00001.
gnomAD v4.1: 6 of 1,614,198 alleles (0.00037%); highest among the groups gnomAD compares: Non-Finnish European, 0.00042%; no homozygotes.

Submission:

Labcorp Genetics (formerly Invitae), Labcorp
Classification: Uncertain significance for EAST syndrome. Last evaluated: 2021-12-08. Review status: criteria provided, single submitter. Criteria: Invitae Variant Classification Sherloc (09022015). Collection method: clinical testing. Allele origin: germline.
Comment: This sequence change replaces glycine, which is neutral and non-polar, with alanine, which is neutral and non-polar, at codon 350 of the KCNJ10 protein (p.Gly350Ala). This variant is not present in population databases (gnomAD no frequency). This variant has not been reported in the literature in individuals affected with KCNJ10-related conditions. ClinVar contains an entry for this variant (Variation ID: 954341). Algorithms developed to predict the effect of missense changes on protein structure and function are either unavailable or do not agree on the potential impact of this missense change (SIFT: "Deleterious"; PolyPhen-2: "Benign"; Align-GVGD: "Class C0"). In summary, the available evidence is currently insufficient to determine the role of this variant in disease. Therefore, it has been classified as a Variant of Uncertain Significance.